The following is an entry in ClinVar:

ClinVar aggregate classification (germline): Uncertain significance (1 of 4 stars; one submission).

Conditions:
Candidiasis, familial, 9 (CANDF9). Identifiers: Orphanet 1334, MedGen C4225324, MONDO:0014642, OMIM 616445.

Allele frequency attached by ClinVar (database versions not stated): gnomAD 0.00004 and 0.00005; ESP Exome Variant Server 0.00008.
gnomAD v4.1: 73 of 1,614,010 alleles (0.0045%); highest among the groups gnomAD compares: Non-Finnish European, 0.005%; no homozygotes.

Submission:

Labcorp Genetics (formerly Invitae), Labcorp
Classification: Uncertain significance for Candidiasis, familial, 9. Last evaluated: 2025-12-31. Review status: criteria provided, single submitter. Criteria: Invitae Variant Classification Sherloc (09022015). Collection method: clinical testing. Allele origin: germline.
Comment: This sequence change replaces aspartic acid, which is acidic and polar, with asparagine, which is neutral and polar, at codon 521 of the IL17RC protein (p.Asp521Asn). This variant is present in population databases (rs369935366, gnomAD 0.01%). This variant has not been reported in the literature in individuals affected with IL17RC-related conditions. ClinVar contains an entry for this variant (Variation ID: 655286). An algorithm developed to predict the effect of missense changes on protein structure and function outputs the following: PolyPhen-2: "Benign". The asparagine amino acid residue is found in multiple mammalian species, which suggests that this missense change does not adversely affect protein function. In summary, the available evidence is currently insufficient to determine the role of this variant in disease. Therefore, it has been classified as a Variant of Uncertain Significance.

NM_153460.4(IL17RC):c.1348G>A (p.Asp450Asn)

Gene: IL17RC (interleukin 17 receptor C; plus strand). Cytogenetic location: 3p25.3.
Variant type: single nucleotide variant.
Coding change: c.1348G>A on transcript NM_153460.4 (MANE Select); coding-DNA position 1348, G replaced by A.
Protein change: p.Asp450Asn; replaces aspartic acid 450 with asparagine.
Molecular consequence: missense variant. On other transcripts: non-coding transcript variant (1).
Genome position (GRCh38, 1-based): chr3:9,930,904, G>A. VCF-style: chr3-9930904-G-A. GRCh37 (hg19) VCF-style: chr3-9972588-G-A.
Other names: c.1348G>A, p.Asp450Asn (NM_001203263.2); c.1297G>A, p.Asp433Asn (NM_001203264.2); c.1252G>A, p.Asp418Asn (NM_001203265.2); c.1309G>A, p.Asp437Asn (NM_001367278.1); c.1228G>A, p.Asp410Asn (NM_001367279.1); c.1303G>A, p.Asp435Asn (NM_001367280.1, NM_032732.6); c.1561G>A, p.Asp521Asn (NM_153461.4); short protein forms D437N, D450N, D410N, D418N, D433N, D435N, D521N.
Identifiers: ClinVar variation 655286 (VCV000655286.5), dbSNP rs369935366, ClinGen allele CA2247249.